The following is an entry in ClinVar:

ClinVar aggregate classification (germline): Uncertain significance (1 of 4 stars; one submission).

Allele frequency attached by ClinVar (database versions not stated): ExAC 0.00001.
gnomAD v4.1: 1 of 1,581,112 alleles (0.000063%); highest among the groups gnomAD compares: South Asian, 0.0011%; no homozygotes.

Submission:

Labcorp Genetics (formerly Invitae), Labcorp
Classification: Uncertain significance. Last evaluated: 2023-11-01. Review status: criteria provided, single submitter. Criteria: Invitae Variant Classification Sherloc (09022015). Collection method: clinical testing. Allele origin: germline.
Comment: This sequence change replaces threonine, which is neutral and polar, with alanine, which is neutral and non-polar, at codon 76 of the KIF11 protein (p.Thr76Ala). This variant is present in population databases (rs770145180, gnomAD 0.006%). This variant has not been reported in the literature in individuals affected with KIF11-related conditions. Advanced modeling of protein sequence and biophysical properties (such as structural, functional, and spatial information, amino acid conservation, physicochemical variation, residue mobility, and thermodynamic stability) performed at Invitae indicates that this missense variant is not expected to disrupt KIF11 protein function with a negative predictive value of 80%. In summary, the available evidence is currently insufficient to determine the role of this variant in disease. Therefore, it has been classified as a Variant of Uncertain Significance.

NM_004523.4(KIF11):c.226A>G (p.Thr76Ala)

Gene: KIF11 (kinesin family member 11; plus strand). Cytogenetic location: 10q23.33.
Variant type: single nucleotide variant.
Coding change: c.226A>G on transcript NM_004523.4 (MANE Select); coding-DNA position 226, A replaced by G.
Protein change: p.Thr76Ala; replaces threonine 76 with alanine.
Molecular consequence: missense variant.
Genome position (GRCh38, 1-based): chr10:92,606,634, A>G. VCF-style: chr10-92606634-A-G. GRCh37 (hg19) VCF-style: chr10-94366391-A-G.
Other names: short protein forms T76A.
Identifiers: ClinVar variation 2791045 (VCV002791045.3), dbSNP rs770145180, ClinGen allele CA5603956.